The following is an entry in ClinVar:

ClinVar aggregate classification (germline): Uncertain significance (1 of 4 stars; one submission).

Submission:

GeneDx
Classification: Uncertain significance. Last evaluated: 2022-08-27. Review status: criteria provided, single submitter. Criteria: GeneDx Variant Classification Process June 2021. Collection method: clinical testing. Allele origin: germline. Affected: yes.
Comment: Not observed at significant frequency in large population cohorts (gnomAD); Frameshift variant predicted to result in protein truncation or nonsense mediated decay in a gene or region of a gene for which loss of function is not a well-established mechanism of disease; Has not been previously published as pathogenic or benign to our knowledge

NM_032387.5(WNK4):c.2629_2632del (p.Gln878fs)

Gene: WNK4 (WNK lysine deficient protein kinase 4; plus strand). Cytogenetic location: 17q21.2.
Variant type: Microsatellite.
Coding change: c.2629_2632del on transcript NM_032387.5 (MANE Select); coding-DNA positions 2629 to 2632, 4 bases deleted (TCTC; older notation c.2629_2632delTCTC).
Protein change: p.Gln878fs; shifts the reading frame from glutamine 878.
Molecular consequence: frameshift variant.
Genome position (GRCh38, 1-based): chr17:42,795,050-42,795,053, TCTC deleted; deleting any 4 consecutive bases within chr17:42,795,047-42,795,053 gives the same sequence; the c. name uses the placement nearest the transcript's 3' end. VCF-style (leftmost placement, unchanged base first): chr17-42795046-ACTCT-A. GRCh37 (hg19) VCF-style: chr17-40947064-ACTCT-A.
Other names: c.1621_1624del, p.Gln542fs (NM_001321299.2); short protein forms Q542fs, Q878fs.
Identifiers: ClinVar variation 2442646 (VCV002442646.1), dbSNP rs2544034753, ClinGen allele CA913012330.